The following is an entry in ClinVar:

ClinVar aggregate classification (germline): Uncertain significance (1 of 4 stars; one submission).

Conditions:
Progressive microcephaly-seizures-cortical blindness-developmental delay syndrome. Also called: Seizures, cortical blindness, and microcephaly syndrome. Identifiers: Orphanet 477814, MedGen C5567650, MONDO:0014714, OMIM 616632.
Autosomal dominant nonsyndromic hearing loss 1. Also called: KONIGSMARK SYNDROME; DEAFNESS, AUTOSOMAL DOMINANT 1, WITH OR WITHOUT THROMBOCYTOPENIA. Identifiers: Orphanet 90635, MedGen C1852282, MONDO:0007424, OMIM 124900.

Submission:

Labcorp Genetics (formerly Invitae), Labcorp
Classification: Uncertain significance for Progressive microcephaly-seizures-cortical blindness-developmental delay syndrome; Autosomal dominant nonsyndromic hearing loss 1. Last evaluated: 2023-04-20. Review status: criteria provided, single submitter. Criteria: Invitae Variant Classification Sherloc (09022015). Collection method: clinical testing. Allele origin: germline.
Comment: This sequence change replaces glutamic acid, which is acidic and polar, with glycine, which is neutral and non-polar, at codon 902 of the DIAPH1 protein (p.Glu902Gly). This variant is not present in population databases (gnomAD no frequency). This variant has not been reported in the literature in individuals affected with DIAPH1-related conditions. An algorithm developed to predict the effect of missense changes on protein structure and function (PolyPhen-2) suggests that this variant is likely to be disruptive. In summary, the available evidence is currently insufficient to determine the role of this variant in disease. Therefore, it has been classified as a Variant of Uncertain Significance.

NM_005219.5(DIAPH1):c.2705A>G (p.Glu902Gly)

Gene: DIAPH1 (diaphanous related formin 1; minus strand). Cytogenetic location: 5q31.3.
Variant type: single nucleotide variant.
Coding change: c.2705A>G on transcript NM_005219.5 (MANE Select); coding-DNA position 2705, A replaced by G.
Protein change: p.Glu902Gly; replaces glutamic acid 902 with glycine.
Molecular consequence: missense variant.
Genome position (GRCh38, 1-based): chr5:141,529,245, T>C on the plus strand (A>G on the coding strand, the complement: DIAPH1 is on the minus strand). VCF-style: chr5-141529245-T-C. GRCh37 (hg19) VCF-style: chr5-140908812-T-C.
Other names: c.2678A>G, p.Glu893Gly (NM_001079812.3); c.2705A>G, p.Glu902Gly (NM_001314007.2); short protein forms E902G, E893G.
Identifiers: ClinVar variation 2940213 (VCV002940213.3), dbSNP rs2513626644, ClinGen allele CA361585995.
Genomic context (GRCh38, chr5:141,529,245, plus strand): 5'-TGCTCTGACTCAGCCAGGTCATCATATTCATCCTTCAGTTCAGAAAGCATTTTTAACTGC[T>C]CTGGCTCTGGCATTTGCTTAATGAGGTTCTGAAAGACAGAAGAGACATCTCAGCTGGAGG-3'
Protein context (NP_005210.3, residues 892-912): QNLIKQMPEP[Glu902Gly]QLKMLSELKD